The following is an entry in ClinVar:

NM_000038.6(APC):c.5357G>C (p.Arg1786Thr)

Gene: APC (APC regulator of Wnt signaling pathway; plus strand). Cytogenetic location: 5q22.2.
Variant type: single nucleotide variant.
Coding change: c.5357G>C on transcript NM_000038.6 (MANE Select); coding-DNA position 5357, G replaced by C.
Protein change: p.Arg1786Thr; replaces arginine 1786 with threonine.
Molecular consequence: missense variant.
Genome position (GRCh38, 1-based): chr5:112,840,951, G>C. VCF-style: chr5-112840951-G-C. GRCh37 (hg19) VCF-style: chr5-112176648-G-C.
Other names: c.5357G>C, p.Arg1786Thr (NM_001127510.3, NM_001354895.2); c.5303G>C, p.Arg1768Thr (NM_001127511.3); c.5411G>C, p.Arg1804Thr (NM_001354896.2); c.5387G>C, p.Arg1796Thr (NM_001354897.2); c.5282G>C, p.Arg1761Thr (NM_001354898.2); c.5273G>C, p.Arg1758Thr (NM_001354899.2); c.5234G>C, p.Arg1745Thr (NM_001354900.2); c.5180G>C, p.Arg1727Thr (NM_001354901.2); and 5 more; short protein forms R1768T, R1786T, R1660T, R1685T, R1695T, R1761T, R1804T, R1758T.
Identifiers: ClinVar variation 470001 (VCV000470001.20), dbSNP rs944674770, ClinGen allele CA16033042.

ClinVar aggregate classification (germline): Uncertain significance. Review status: criteria provided, multiple submitters, no conflicts (2 of 4 stars). 4 submissions from 4 submitters: Uncertain significance (4). Last evaluated 2025-10-23.

Conditions:
Familial adenomatous polyposis 1 (FAP1). Also called: POLYPOSIS, ADENOMATOUS INTESTINAL; FAMILIAL ADENOMATOUS POLYPOSIS 1, ATTENUATED. Identifiers: MedGen C2713442, MONDO:0021056, OMIM 175100. Disease mechanism: loss of function.
Hereditary cancer-predisposing syndrome. Also called: Hereditary neoplastic syndrome; Neoplastic Syndromes, Hereditary; Tumor predisposition; Hereditary Cancer Syndrome. Identifiers: Orphanet 140162, MedGen C0027672, MeSH D009386, MONDO:0015356.

Allele frequency attached by ClinVar (database versions not stated): gnomAD exomes below 0.00001.
gnomAD v4.1: 4 of 1,613,222 alleles (0.00025%); highest among the groups gnomAD compares: Admixed American, 0.0017%; no homozygotes.

Submissions (4):

Labcorp Genetics (formerly Invitae), Labcorp
Classification: Uncertain significance for Familial adenomatous polyposis 1. Last evaluated: 2025-10-23. Review status: criteria provided, single submitter. Criteria: Invitae Variant Classification Sherloc (09022015). Collection method: clinical testing. Allele origin: germline.
Comment: This sequence change replaces arginine, which is basic and polar, with threonine, which is neutral and polar, at codon 1786 of the APC protein (p.Arg1786Thr). This variant is present in population databases (no rsID available, gnomAD 0.003%). This missense change has been observed in individual(s) with attenuated familial adenomatous polyposis and colorectal cancer (PMID: 19531215, 26976419, 35534704). ClinVar contains an entry for this variant (Variation ID: 470001). Invitae Evidence Modeling of protein sequence and biophysical properties (such as structural, functional, and spatial information, amino acid conservation, physicochemical variation, residue mobility, and thermodynamic stability) indicates that this missense variant is not expected to disrupt APC protein function with a negative predictive value of 95%. In summary, the available evidence is currently insufficient to determine the role of this variant in disease. Therefore, it has been classified as a Variant of Uncertain Significance.

Ambry Genetics
Classification: Uncertain significance for Hereditary cancer-predisposing syndrome. Last evaluated: 2025-07-01. Review status: criteria provided, single submitter. Criteria: Ambry Variant Classification Scheme 2023. Collection method: clinical testing. Allele origin: germline.
Comment: The p.R1786T variant (also known as c.5357G>C), located in coding exon 15 of the APC gene, results from a G to C substitution at nucleotide position 5357. The arginine at codon 1786 is replaced by threonine, an amino acid with similar properties. This variant was reported in individual(s) with features consistent with APC-related familial adenomatous polyposis (G&oacute;mez-Fern&aacute;ndez N et al. BMC Med. Genet., 2009 Jun;10:57; Ambry internal data). This variant was also identified in a patient with a personal and family history of colorectal cancer (de Oliveira JM et al. Eur J Hum Genet, 2022 Jul;30:818-823). Additionally, this alteration has been reported in a cohort of 488 patients with stages I to III breast cancer who were tested with a 25-gene panel test (Tung N et al. J. Clin. Oncol., 2016 May;34:1460-8). This amino acid position is well conserved in available vertebrate species. In addition, in silico predictors for this gene do not accurately predict pathogenicity. Missense alterations in APC are not a common cause of disease (Spier I et al. Genet Med. 2024 Feb;26(2):100992). Based on the available evidence, the clinical significance of this variant remains unclear.

Baylor Genetics
Classification: Uncertain significance for Familial adenomatous polyposis 1. Last evaluated: 2023-10-24. Review status: criteria provided, single submitter. Criteria: ACMG Guidelines, 2015. Collection method: clinical testing. Allele origin: unknown.

Mendelics
Classification: Uncertain significance for Familial adenomatous polyposis 1. Last evaluated: 2019-05-28. Review status: criteria provided, single submitter. Criteria: Mendelics Assertion Criteria 2017. Collection method: clinical testing. Allele origin: unknown.

Literature cited by the submitters: PubMed 19531215 (cited by Labcorp Genetics (formerly Invitae), Labcorp and Ambry Genetics); PubMed 26976419 (cited by Labcorp Genetics (formerly Invitae), Labcorp and Ambry Genetics); PubMed 35534704 (cited by Labcorp Genetics (formerly Invitae), Labcorp and Ambry Genetics).